The following is an entry in ClinVar:

NM_000059.4(BRCA2):c.6304G>A (p.Val2102Ile)

Gene: BRCA2 (BRCA2 DNA repair associated; plus strand). Cytogenetic location: 13q13.1.
Variant type: single nucleotide variant.
Coding change: c.6304G>A on transcript NM_000059.4 (MANE Select); coding-DNA position 6304, G replaced by A.
Protein change: p.Val2102Ile; replaces valine 2102 with isoleucine.
Molecular consequence: missense variant.
Genome position (GRCh38, 1-based): chr13:32,340,659, G>A. VCF-style: chr13-32340659-G-A. GRCh37 (hg19) VCF-style: chr13-32914796-G-A.
Other names: short protein forms V2102I.
Identifiers: ClinVar variation 234525 (VCV000234525.33), dbSNP rs80358869, ClinGen allele CA6940943.
Genomic context (GRCh38, chr13:32,340,659, plus strand): 5'-GAATTTGATTTAATCAGAACTGAGCATAGTCTTCACTATTCACCTACGTCTAGACAAAAT[G>A]TATCAAAAATACTTCCTCGTGTTGATAAGAGAAACCCAGAGCACTGTGTAAACTCAGAAA-3'
Protein context (NP_000050.3, residues 2092-2112): LHYSPTSRQN[Val2102Ile]SKILPRVDKR

ClinVar aggregate classification (germline): Conflicting classifications of pathogenicity. Review status: criteria provided, conflicting classifications (1 of 4 stars). 11 submissions from 11 submitters: Uncertain significance (2); Benign (1); Likely benign (7). 1 of the submissions does not count toward it. Last evaluated 2026-01-22.

Conditions:
BRCA2-related disorder. Also called: BRCA2-related condition; BRCA2-related disorders. Identifiers: MedGen CN239275.
Hereditary cancer-predisposing syndrome. Also called: Neoplastic Syndromes, Hereditary; Hereditary neoplastic syndrome; Hereditary Cancer Syndrome; Tumor predisposition. Identifiers: Orphanet 140162, MedGen C0027672, MeSH D009386, MONDO:0015356.
Hereditary breast ovarian cancer syndrome. Also called: Hereditary breast and ovarian cancer syndrome; Hereditary breast and/or ovarian cancer syndrome; BRCA1- and BRCA2-Associated Hereditary Breast and Ovarian Cancer; Breast and ovarian cancer; Hereditary breast and ovarian cancer syndrome (HBOC); Hereditary breast and ovarian cancer. Identifiers: Orphanet 145, MedGen C0677776, MeSH D061325, MONDO:0003582. Disease mechanism: loss of function.
Breast-ovarian cancer, familial, susceptibility to, 2 (BROVCA2). Also called: BRCA2 Hereditary Breast and Ovarian Cancer. Identifiers: Orphanet 145, MedGen C2675520, MONDO:0012933, OMIM 612555. Disease mechanism: loss of function.
Malignant tumor of breast. Also called: Malignant breast neoplasm; Cancer breast. Identifiers: MedGen C0006142, MONDO:0007254. Disease mechanism: loss of function.

Allele frequency attached by ClinVar (database versions not stated): gnomAD below 0.00001 and 0.00001; gnomAD exomes 0.00002 and 0.00004; ExAC 0.00006.
gnomAD v4.1: 23 of 1,606,708 alleles (0.0014%); highest among the groups gnomAD compares: South Asian, 0.019%; 1 homozygote.

Submissions (11):

Labcorp Genetics (formerly Invitae), Labcorp
Classification: Likely benign for Hereditary breast ovarian cancer syndrome. Last evaluated: 2026-01-22. Review status: criteria provided, single submitter. Criteria: Invitae Variant Classification Sherloc (09022015). Collection method: clinical testing. Allele origin: germline.

PreventionGenetics, part of Exact Sciences
Classification: Likely benign for BRCA2-related condition. Last evaluated: 2025-08-11. Review status: criteria provided, single submitter. Criteria: ACMG Guidelines, 2015. Collection method: clinical testing. Allele origin: germline.
Comment: This variant is classified as likely benign based on ACMG/AMP sequence variant interpretation guidelines (Richards et al. 2015 PMID: 25741868, with internal and published modifications).

Center for Genomic Medicine, Rigshospitalet, Copenhagen University Hospital
Classification: Benign. Last evaluated: 2025-03-04. Review status: criteria provided, single submitter. Criteria: ACMG Guidelines, 2015. Collection method: clinical testing. Allele origin: germline.

KCCC/NGS Laboratory, Kuwait Cancer Control Center
Classification: Likely benign for Breast-ovarian cancer, familial, susceptibility to, 2. Last evaluated: 2023-08-20. Review status: criteria provided, single submitter. Criteria: ACMG Guidelines, 2015. Collection method: clinical testing. Allele origin: germline. Inheritance: Autosomal dominant inheritance. Affected: yes.

Quest Diagnostics Nichols Institute San Juan Capistrano
Classification: Uncertain significance. Last evaluated: 2023-04-06. Review status: criteria provided, single submitter. Criteria: Quest Diagnostics criteria. Collection method: clinical testing. Allele origin: unknown.
Comment: The frequency of this variant in the general population, 0.00031 (9/28702 chromosomes), is uninformative in assessment of its pathogenicity. In the published literature, the variant was found both in individuals with breast cancer as well as unaffected individuals in a large breast cancer association study (PMID: 33471991 (2021), see also LOVD). Analysis of this variant using bioinformatics tools for the prediction of the effect of amino acid changes on protein structure and function yielded predictions that this variant is benign. Based on the available information, we are unable to determine the clinical significance of this variant.

University of Washington Department of Laboratory Medicine, University of Washington
Classification: Likely benign for Hereditary cancer-predisposing syndrome. Last evaluated: 2023-03-23. Review status: criteria provided, single submitter. Criteria: Dines et al. (Genet Med. 2020). Collection method: curation. Allele origin: germline.
Comment: Missense variant in a coldspot region where missense variants are very unlikely to be pathogenic (PMID:31911673).

BRCA2 exon 11 coldspot. Reclassification based on statistical prior probability.

All of Us Research Program, National Institutes of Health
Classification: Likely benign for Breast-ovarian cancer, familial, susceptibility to, 2. Last evaluated: 2023-02-24. Review status: criteria provided, single submitter. Criteria: ACMG Guidelines, 2015. Collection method: clinical testing. Allele origin: germline. Inheritance: Autosomal dominant inheritance. Observed: 1 variant allele, 1 heterozygote.
Comment: This study involves interpretation of variants in research participants for the purpose of population health screening. Participant phenotype was not available at the time of variant classification. Additional details can be found in publication PMID: 35346344, PMCID: PMC8962531

GeneDx
Classification: Uncertain significance. Last evaluated: 2021-03-24. Review status: criteria provided, single submitter. Criteria: GeneDx Variant Classification Process June 2021. Collection method: clinical testing. Allele origin: germline. Affected: yes.
Comment: In silico analysis supports that this missense variant does not alter protein structure/function; Has not been previously published as pathogenic or benign to our knowledge; Also known as 6532G>A; This variant is associated with the following publications: (PMID: 31131967)

Ambry Genetics
Classification: Likely benign for Hereditary cancer-predisposing syndrome. Last evaluated: 2019-02-25. Review status: criteria provided, single submitter. Criteria: Ambry Variant Classification Scheme 2023. Collection method: clinical testing. Allele origin: germline.

Color Diagnostics, LLC DBA Color Health
Classification: Likely benign for Hereditary cancer-predisposing syndrome. Last evaluated: 2016-12-08. Review status: criteria provided, single submitter. Criteria: ACMG Guidelines, 2015. Collection method: clinical testing. Allele origin: germline.

Department of Pathology and Laboratory Medicine, Sinai Health System
Classification: Likely benign for Malignant tumor of breast. Review status: no assertion criteria provided. Collection method: clinical testing. Allele origin: unknown. Affected: yes. Study: The Canadian Open Genetics Repository (COGR). Not counted in ClinVar's aggregate classification.
Comment: The BRCA2 p.Val2102Ile variant was not identified in the literature nor was it identified in the GeneInsight-COGR, Cosmic, MutDB, LOVD 3.0, UMD-LSDB, BIC Database, ARUP Laboratories, or Zhejiang Colon Cancer Database. The variant was identified in dbSNP (ID: rs80358869) as â€šÃ„ÃºWith Uncertain significance alleleâ€šÃ„Ã¹, ClinVar (as likely benign by Ambry Genetics and as uncertain significance by GeneDx, Quest Diagnostics, and Invitae), and Clinvitae databases. The variant was identified in control databases in 10 of 238436 chromosomes (1 homozygous) at a frequency of 0.000042 (Genome Aggregation Database Feb 27, 2017). The variant was observed in the following populations: and South Asian in 10 of 28816 chromosomes (freq: 0.000347), while the variant was not observed in the African, Other, Latino, European (Non-Finnish), Ashkenazi Jewish, East Asian, or European (Finnish) populations. The p.Val2102 residue is not conserved in mammals and computational analyses (PolyPhen-2, SIFT, AlignGVGD, BLOSUM, MutationTaster) do not suggest a high likelihood of impact to the protein; however, this information is not predictive enough to rule out pathogenicity. The variant occurs outside of the splicing consensus sequence and in silico or computational prediction software programs (SpliceSiteFinder, MaxEntScan, NNSPLICE, GeneSplicer, HumanSpliceFinder) do not predict a difference in splicing. In summary, based on the above information the clinical significance of this variant cannot be determined with certainty at this time although we would lean towards a more benign role for this variant. This variant is classified as likely benign.

Literature cited by the submitters: PubMed 31911673 (cited by Quest Diagnostics Nichols Institute San Juan Capistrano); PubMed 33471991 (cited by Quest Diagnostics Nichols Institute San Juan Capistrano).